The following is an entry in ClinVar:

ClinVar aggregate classification (germline): Likely benign. Review status: criteria provided, multiple submitters, no conflicts (2 of 4 stars). 2 submissions from 2 submitters: Likely benign (2). Last evaluated 2026-02-01.

Allele frequency attached by ClinVar (database versions not stated): gnomAD 0.00002; TOPMed 0.00004; ExAC 0.00008.
gnomAD v4.1: 16 of 1,486,912 alleles (0.0011%); highest among the groups gnomAD compares: Admixed American, 0.0022%; no homozygotes.

Submissions (2):

CeGaT Center for Human Genetics Tuebingen
Classification: Likely benign. Last evaluated: 2026-02-01. Review status: criteria provided, single submitter. Criteria: CeGaT Center For Human Genetics Tuebingen Variant Classification Criteria Version 2. Collection method: clinical testing. Allele origin: germline. Affected: yes. Observed: 1 variant allele.
Comment: NAXD: BP4, BP7

Labcorp Genetics (formerly Invitae), Labcorp
Classification: Likely benign. Last evaluated: 2025-06-02. Review status: criteria provided, single submitter. Criteria: Invitae Variant Classification Sherloc (09022015). Collection method: clinical testing. Allele origin: germline.

NM_001242882.2(NAXD):c.46+93C>T

Genes: NAXD (NAD(P)HX dehydratase; plus strand), NAXD-AS1 (NAXD antisense RNA 1; minus strand). Cytogenetic location: 13q34.
Variant type: single nucleotide variant.
Coding change: c.46+93C>T on transcript NM_001242882.2 (MANE Select); 93 bases into the intron after coding-DNA position 46, C replaced by T.
Molecular consequence: intron variant. On other transcripts: non-coding transcript variant (1), synonymous variant (2).
Genome position (GRCh38, 1-based): chr13:110,615,740, C>T. VCF-style: chr13-110615740-C-T. GRCh37 (hg19) VCF-style: chr13-111268087-C-T.
Other names: c.66C>T, p.Ala22= (NM_001242881.2, NM_018210.4); c.56+93C>T (NM_001242883.2).
Identifiers: ClinVar variation 1920119 (VCV001920119.9), dbSNP rs761778039, ClinGen allele CA7051006.